The following is an entry in ClinVar:

ClinVar aggregate classification (germline): Uncertain significance (1 of 4 stars; one submission).

Allele frequency attached by ClinVar (database versions not stated): TOPMed below 0.00001.

Submission:

CeGaT Center for Human Genetics Tuebingen
Classification: Uncertain significance. Last evaluated: 2023-10-01. Review status: criteria provided, single submitter. Criteria: CeGaT Center For Human Genetics Tuebingen Variant Classification Criteria Version 2. Collection method: clinical testing. Allele origin: germline. Affected: yes. Observed: 1 variant allele.
Comment: DNM1: PM2, PP2

NM_004408.4(DNM1):c.1009G>A (p.Ala337Thr)

Gene: DNM1 (dynamin 1; plus strand). Cytogenetic location: 9q34.11.
Variant type: single nucleotide variant.
Coding change: c.1009G>A on transcript NM_004408.4 (MANE Select); coding-DNA position 1009, G replaced by A.
Protein change: p.Ala337Thr; replaces alanine 337 with threonine.
Molecular consequence: missense variant.
Genome position (GRCh38, 1-based): chr9:128,222,477, G>A. VCF-style: chr9-128222477-G-A. GRCh37 (hg19) VCF-style: chr9-130984756-G-A.
Other names: c.1009G>A, p.Ala337Thr (NM_001005336.3, NM_001288737.2, NM_001288738.2 and 2 more transcripts); short protein forms A337T.
Identifiers: ClinVar variation 2659523 (VCV002659523.24), dbSNP rs1835083453, ClinGen allele CA375015864.